The following is an entry in ClinVar:

NM_177438.3(DICER1):c.1974G>T (p.Leu658Phe)

Gene: DICER1 (dicer 1, ribonuclease III; minus strand). Cytogenetic location: 14q32.13.
Variant type: single nucleotide variant.
Coding change: c.1974G>T on transcript NM_177438.3 (MANE Select); coding-DNA position 1974, G replaced by T.
Protein change: p.Leu658Phe; replaces leucine 658 with phenylalanine.
Molecular consequence: missense variant.
Genome position (GRCh38, 1-based): chr14:95,113,158, C>A on the plus strand (G>T on the coding strand, the complement: DICER1 is on the minus strand). VCF-style: chr14-95113158-C-A. GRCh37 (hg19) VCF-style: chr14-95579495-C-A.
Other names: c.1974G>T, p.Leu658Phe (NM_001195573.1, NM_001271282.3, NM_001291628.2 and 1 more transcripts); short protein forms L658F.
Identifiers: ClinVar variation 952366 (VCV000952366.11), dbSNP rs1892131665, ClinGen allele CA390883318.

ClinVar aggregate classification (germline): Uncertain significance (1 of 4 stars; one submission).

Conditions:
DICER1-related tumor predisposition. Also called: DICER1 syndrome; DICER1-related pleuropulmonary blastoma cancer predisposition syndrome. Identifiers: Orphanet 284343, MedGen C3839822, MONDO:0100216.

Submission:

Labcorp Genetics (formerly Invitae), Labcorp
Classification: Uncertain significance for DICER1-related tumor predisposition. Last evaluated: 2019-08-19. Review status: criteria provided, single submitter. Criteria: Invitae Variant Classification Sherloc (09022015). Collection method: clinical testing. Allele origin: germline.
Comment: This variant is not present in population databases (ExAC no frequency). In summary, the available evidence is currently insufficient to determine the role of this variant in disease. Therefore, it has been classified as a Variant of Uncertain Significance. Algorithms developed to predict the effect of missense changes on protein structure and function (SIFT, PolyPhen-2, Align-GVGD) all suggest that this variant is likely to be tolerated, but these predictions have not been confirmed by published functional studies and their clinical significance is uncertain. This variant has not been reported in the literature in individuals with DICER1-related conditions. This sequence change replaces leucine with phenylalanine at codon 658 of the DICER1 protein (p.Leu658Phe). The leucine residue is moderately conserved and there is a small physicochemical difference between leucine and phenylalanine.